The following is an entry in ClinVar:

NM_000501.4(ELN):c.1891A>G (p.Lys631Glu)

Gene: ELN (elastin; plus strand). Cytogenetic location: 7q11.23.
Variant type: single nucleotide variant.
Coding change: c.1891A>G on transcript NM_000501.4 (MANE Select); coding-DNA position 1891, A replaced by G.
Protein change: p.Lys631Glu; replaces lysine 631 with glutamic acid.
Molecular consequence: missense variant.
Genome position (GRCh38, 1-based): chr7:74,063,342, A>G. VCF-style: chr7-74063342-A-G. GRCh37 (hg19) VCF-style: chr7-73477672-A-G.
Other names: c.1804A>G, p.Lys602Glu (NM_001081752.3); c.1849A>G, p.Lys617Glu (NM_001081753.3); c.1906A>G, p.Lys636Glu (NM_001081754.3); c.1834A>G, p.Lys612Glu (NM_001081755.3); c.1891A>G, p.Lys631Glu (NM_001278912.2); c.1648A>G, p.Lys550Glu (NM_001278913.2); c.1819A>G, p.Lys607Glu (NM_001278914.2); c.1909A>G, p.Lys637Glu (NM_001278915.2); and 4 more; short protein forms K542E, K612E, K550E, K583E, K631E, K637E, K602E, K636E.
Identifiers: ClinVar variation 2159396 (VCV002159396.4), dbSNP rs2486529578, ClinGen allele CA367889889.
Genomic context (GRCh38, chr7:74,063,342, plus strand): 5'-CCTCCCTGAACTCGGTCTGTGTTCCCAGGAGCCGGACCCGCCGCCGCCGCTGCCGCAGCC[A>G]AAGCTGCTGCCAAAGCCGCCCAGTTTGGTGAGCACTGGGTGGAGGTGGGAGCTGCCGCCA-3'
Protein context (NP_000492.2, residues 621-641): AGPAAAAAAA[Lys631Glu]AAAKAAQFGL

ClinVar aggregate classification (germline): Uncertain significance (1 of 4 stars; one submission).

Conditions:
Supravalvar aortic stenosis (SVAS). Also called: Supravalvar aortic stenosis, Eisenberg type. Identifiers: Orphanet 3193, MedGen C0003499, MONDO:0008504, OMIM 185500, HP:0004381.

Allele frequency attached by ClinVar (database versions not stated): gnomAD exomes below 0.00001.
gnomAD v4.1: 1 of 1,550,014 alleles (0.000065%); highest among the groups gnomAD compares: Non-Finnish European, 0.000087%; no homozygotes.

Submission:

Labcorp Genetics (formerly Invitae), Labcorp
Classification: Uncertain significance for Supravalvar aortic stenosis. Last evaluated: 2022-05-14. Review status: criteria provided, single submitter. Criteria: Invitae Variant Classification Sherloc (09022015). Collection method: clinical testing. Allele origin: germline.
Comment: In summary, the available evidence is currently insufficient to determine the role of this variant in disease. Therefore, it has been classified as a Variant of Uncertain Significance. Algorithms developed to predict the effect of missense changes on protein structure and function are either unavailable or do not agree on the potential impact of this missense change (SIFT: "Tolerated"; PolyPhen-2: "Not Available"; Align-GVGD: "Class C0"). This variant has not been reported in the literature in individuals affected with ELN-related conditions. This variant is not present in population databases (gnomAD no frequency). This sequence change replaces lysine, which is basic and polar, with glutamic acid, which is acidic and polar, at codon 693 of the ELN protein (p.Lys693Glu).